The following is an entry in ClinVar:

ClinVar aggregate classification (germline): Uncertain significance (1 of 4 stars; one submission).

Conditions:
Cardiovascular phenotype. Identifiers: MedGen CN230736.

Submission:

Ambry Genetics
Classification: Uncertain significance for Cardiovascular phenotype. Last evaluated: 2020-01-27. Review status: criteria provided, single submitter. Criteria: Ambry Variant Classification Scheme 2023. Collection method: clinical testing. Allele origin: germline.
Comment: The p.E101G variant (also known as c.302A>G), located in coding exon 2 of the ACTC1 gene, results from an A to G substitution at nucleotide position 302. The glutamic acid at codon 101 is replaced by glycine, an amino acid with similar properties. A different variant affecting this codon (p.E101K, c.301G>A, also referred to as p.E99K) has been reported as pathogenic in association with cardiomyopathy (Olson TM at al. J. Mol. Cell. Cardiol. 2000 Sep;32(9):1687-94; Monserrat L et al. Eur. Heart J. 2007 Aug;28(16):1953-61). This amino acid position is highly conserved in available vertebrate species. In addition, this alteration is predicted to be deleterious by in silico analysis. Since supporting evidence is limited at this time, the clinical significance of this alteration remains unclear.

Literature cited by the submitters: PubMed 10966831; PubMed 17611253.

NM_005159.5(ACTC1):c.302A>G (p.Glu101Gly)

Genes: ACTC1 (actin alpha cardiac muscle 1; minus strand), GJD2-DT (GJD2 divergent transcript; plus strand). Cytogenetic location: 15q14.
Variant type: single nucleotide variant.
Coding change: c.302A>G on transcript NM_005159.5 (MANE Select); coding-DNA position 302, A replaced by G.
Protein change: p.Glu101Gly; replaces glutamic acid 101 with glycine.
Molecular consequence: missense variant.
Genome position (GRCh38, 1-based): chr15:34,793,397, T>C on the plus strand (A>G on the coding strand, the complement: ACTC1 is on the minus strand). VCF-style: chr15-34793397-T-C. GRCh37 (hg19) VCF-style: chr15-35085598-T-C.
Other names: c.302A>G, p.Glu101Gly (NM_001406482.1, NM_001406483.1); c.167A>G, p.Glu56Gly (NM_001406484.1); c.-87A>G (NM_001406485.1); short protein forms E101G, E56G.
Identifiers: ClinVar variation 1799000 (VCV001799000.2), dbSNP rs1891748027, ClinGen allele CA391631536.